The following is an entry in ClinVar:

ClinVar aggregate classification (germline): Likely benign (1 of 4 stars; one submission).

Allele frequency attached by ClinVar (database versions not stated): gnomAD exomes below 0.00001; ExAC 0.00001.
gnomAD v4.1: 3 of 1,614,140 alleles (0.00019%); highest among the groups gnomAD compares: Non-Finnish European, 0.00025%; no homozygotes.

Submission:

CeGaT Center for Human Genetics Tuebingen
Classification: Likely benign. Last evaluated: 2022-07-01. Review status: criteria provided, single submitter. Criteria: CeGaT Center For Human Genetics Tuebingen Variant Classification Criteria Version 2. Collection method: clinical testing. Allele origin: germline. Affected: yes. Observed: 1 variant allele.
Comment: ATP1A1: BP4, BP7

NM_000701.8(ATP1A1):c.2343C>T (p.Thr781=)

Genes: ATP1A1 (ATPase Na+/K+ transporting subunit alpha 1; plus strand), ATP1A1-AS1 (ATP1A1 antisense RNA 1; minus strand). Cytogenetic location: 1p13.1.
Variant type: single nucleotide variant.
Coding change: c.2343C>T on transcript NM_000701.8 (MANE Select); coding-DNA position 2343, C replaced by T.
Protein change: p.Thr781=; no amino-acid change (threonine 781 retained).
Molecular consequence: synonymous variant.
Genome position (GRCh38, 1-based): chr1:116,398,979, C>T. VCF-style: chr1-116398979-C-T. GRCh37 (hg19) VCF-style: chr1-116941601-C-T.
Other names: c.2343C>T, p.Thr781= (NM_001160233.2); c.2250C>T, p.Thr750= (NM_001160234.2).
Identifiers: ClinVar variation 2639020 (VCV002639020.24), dbSNP rs779579313, ClinGen allele CA1025527.